The following is an entry in ClinVar:

ClinVar aggregate classification (germline): Likely benign. Review status: criteria provided, multiple submitters, no conflicts (2 of 4 stars). 5 submissions from 5 submitters: Likely benign (4). 1 of the submissions does not count toward it. Last evaluated 2026-01-16.

Conditions:
MAP2K1-related disorder. Also called: MAP2K1-related condition; MAP2K1-related disorders.
Cardiovascular phenotype. Identifiers: MedGen CN230736.
RASopathy. Also called: Noonan spectrum disorder; rasopathies. Identifiers: Orphanet 536391, MedGen C5555857, MONDO:0021060.

Allele frequency attached by ClinVar (database versions not stated): ExAC 0.00002; gnomAD exomes 0.00002 and 0.00001; gnomAD 0.00005; TOPMed 0.00007; ESP Exome Variant Server 0.00008.

Submissions (5):

Labcorp Genetics (formerly Invitae), Labcorp
Classification: Likely benign for RASopathy. Last evaluated: 2026-01-16. Review status: criteria provided, single submitter. Criteria: Invitae Variant Classification Sherloc (09022015). Collection method: clinical testing. Allele origin: germline.

Ambry Genetics
Classification: Likely benign for Cardiovascular phenotype. Last evaluated: 2023-11-12. Review status: criteria provided, single submitter. Criteria: Ambry Variant Classification Scheme 2023. Collection method: clinical testing. Allele origin: germline.

GeneDx
Classification: Likely benign. Last evaluated: 2021-02-03. Review status: criteria provided, single submitter. Criteria: GeneDx Variant Classification Process June 2021. Collection method: clinical testing. Allele origin: germline. Affected: yes.

Laboratory for Molecular Medicine, Mass General Brigham Personalized Medicine
Classification: Likely benign. Last evaluated: 2012-03-19. Review status: criteria provided, single submitter. Criteria: LMM Criteria. Collection method: clinical testing. Allele origin: germline. Observed: 1 variant allele.
Comment: Asn319Asn in exon 08 of MAP2K1: This variant is not expected to have clinical si gnificance because it does not alter an amino acid residue and it is not located within the splice consensus sequence. It has been identified in 1/8598 European American chromosomes from a broad population by the NHLBI Exome Sequencing Proj ect (dbSNP rs143019052).

PreventionGenetics, part of Exact Sciences
Classification: Likely benign for MAP2K1-related condition. Last evaluated: 2019-07-30. Review status: no assertion criteria provided. Collection method: clinical testing. Allele origin: germline. Not counted in ClinVar's aggregate classification.
Comment: This variant is classified as likely benign based on ACMG/AMP sequence variant interpretation guidelines (Richards et al. 2015 PMID: 25741868, with internal and published modifications).

NM_002755.4(MAP2K1):c.957C>T (p.Asn319=)

Gene: MAP2K1 (mitogen-activated protein kinase kinase 1; plus strand). Cytogenetic location: 15q22.31.
Variant type: single nucleotide variant.
Coding change: c.957C>T on transcript NM_002755.4 (MANE Select); coding-DNA position 957, C replaced by T.
Protein change: p.Asn319=; no amino-acid change (asparagine 319 retained).
Molecular consequence: synonymous variant.
Genome position (GRCh38, 1-based): chr15:66,487,289, C>T. VCF-style: chr15-66487289-C-T. GRCh37 (hg19) VCF-style: chr15-66779627-C-T.
Identifiers: ClinVar variation 50934 (VCV000050934.16), dbSNP rs143019052, ClinGen allele CA143876.